The following is an entry in ClinVar:

NM_001387430.1(SH2B1):c.628G>C (p.Gly210Arg)

Gene: SH2B1 (SH2B adaptor protein 1; plus strand). Cytogenetic location: 16p11.2.
Variant type: single nucleotide variant.
Coding change: c.628G>C on transcript NM_001387430.1 (MANE Select); coding-DNA position 628, G replaced by C.
Protein change: p.Gly210Arg; replaces glycine 210 with arginine.
Molecular consequence: missense variant. On other transcripts: intron variant (1).
Genome position (GRCh38, 1-based): chr16:28,866,722, G>C. VCF-style: chr16-28866722-G-C. GRCh37 (hg19) VCF-style: chr16-28878043-G-C.
Other names: c.628G>C, p.Gly210Arg (NM_001145795.2, NM_001145796.2, NM_001145797.2 and 4 more transcripts); c.-26-652G>C (NM_001308294.2); short protein forms G210R.
Identifiers: ClinVar variation 3358336 (VCV003358336.1).

ClinVar aggregate classification (germline): Uncertain significance (0 of 4 stars; one submission).

Conditions:
SH2B1-related disorder. Also called: SH2B1-related condition.

gnomAD v4.1: 3 of 1,585,094 alleles (0.00019%); highest among the groups gnomAD compares: Non-Finnish European, 0.00026%; no homozygotes.

Submission:

PreventionGenetics, part of Exact Sciences
Classification: Uncertain significance for SH2B1-related condition. Last evaluated: 2024-09-26. Review status: no assertion criteria provided. Collection method: clinical testing. Allele origin: germline.
Comment: The SH2B1 c.628G>C variant is predicted to result in the amino acid substitution p.Gly210Arg. To our knowledge, this variant has not been reported in the literature. This variant is reported in 0.0020% of alleles in individuals of European (Non-Finnish) descent in gnomAD. At this time, the clinical significance of this variant is uncertain due to the absence of conclusive functional and genetic evidence.